The following is an entry in ClinVar:

NM_006269.2(RP1):c.4735T>G (p.Leu1579Val)

Gene: RP1 (RP1 axonemal microtubule associated; plus strand). Cytogenetic location: 8q12.1.
Variant type: single nucleotide variant.
Coding change: c.4735T>G on transcript NM_006269.2 (MANE Select); coding-DNA position 4735, T replaced by G.
Protein change: p.Leu1579Val; replaces leucine 1579 with valine.
Molecular consequence: missense variant.
Genome position (GRCh38, 1-based): chr8:54,628,617, T>G. VCF-style: chr8-54628617-T-G. GRCh37 (hg19) VCF-style: chr8-55541177-T-G.
Other names: short protein forms L1579V.
Identifiers: ClinVar variation 77363 (VCV000077363.19), dbSNP rs200860068, ClinGen allele CA4751936.
Genomic context (GRCh38, chr8:54,628,617, plus strand): 5'-ATGGTAAAAATGATGGTGAAAACTATGGAAACTGGAAGTTATTCAGAGTCCTCTCCTGAT[T>G]TAAAAAAATGCATCAAAAGTCCAGTGACTTCTGATTGGTCAGACTATCGGCCTGACAGTG-3'
Protein context (NP_006260.1, residues 1569-1589): TGSYSESSPD[Leu1579Val]KKCIKSPVTS

ClinVar aggregate classification (germline): Conflicting classifications of pathogenicity. Review status: criteria provided, conflicting classifications (1 of 4 stars). 4 submissions from 4 submitters: Uncertain significance (3); Benign (1). Last evaluated 2025-05-30.

Conditions:
Retinitis pigmentosa (RP). Identifiers: Orphanet 791, MedGen C0035334, MeSH D012174, MONDO:0019200, OMIM 268000. Inheritance: Autosomal dominant, autosomal recessive and X linked inheritance.
Retinitis pigmentosa 1 (RP1). Identifiers: Orphanet 791, MedGen C0220701, MONDO:0008377, OMIM 180100.

Allele frequency attached by ClinVar (database versions not stated): gnomAD 0.00005; TOPMed 0.00005; gnomAD exomes 0.00006; ExAC 0.00007; ESP Exome Variant Server 0.00015.
gnomAD v4.1: 93 of 1,613,890 alleles (0.0058%); highest among the groups gnomAD compares: South Asian, 0.027%; 2 homozygotes.

Submissions (4):

Labcorp Genetics (formerly Invitae), Labcorp
Classification: Uncertain significance. Last evaluated: 2025-05-30. Review status: criteria provided, single submitter. Criteria: Invitae Variant Classification Sherloc (09022015). Collection method: clinical testing. Allele origin: germline.
Comment: This sequence change replaces leucine, which is neutral and non-polar, with valine, which is neutral and non-polar, at codon 1579 of the RP1 protein (p.Leu1579Val). This variant is present in population databases (rs200860068, gnomAD 0.03%). This missense change has been observed in individual(s) with autosomal dominant retinitis pigmentosa (PMID: 15994872). ClinVar contains an entry for this variant (Variation ID: 77363). An algorithm developed to predict the effect of missense changes on protein structure and function (PolyPhen-2) suggests that this variant is likely to be tolerated. In summary, the available evidence is currently insufficient to determine the role of this variant in disease. Therefore, it has been classified as a Variant of Uncertain Significance.

Blueprint Genetics
Classification: Uncertain significance. Last evaluated: 2024-11-07. Review status: criteria provided, single submitter. Criteria: ACMG Guidelines, 2015. Collection method: clinical testing. Allele origin: germline.

ARUP Laboratories, Molecular Genetics and Genomics, ARUP Laboratories
Classification: Uncertain significance for Retinitis pigmentosa 1. Last evaluated: 2019-01-03. Review status: criteria provided, single submitter. Criteria: ARUP Molecular Germline Variant Investigation Process. Collection method: clinical testing. Allele origin: germline.
Comment: The RP1 c.4735T>G; p.Leu1579Val variant (rs200860068) is published in the literature in an individual with retinitis pigmentosa (Zivillo 2005), but was not determined to be causative. The variant is listed in the general population with an allele frequency of 0.006% (17/282588 alleles) in the Genome Aggregation Database. The leucine at this position is weakly conserved and computational analyses (SIFT: Damaging, PolyPhen-2: Benign) predict conflicting effects of this variant on protein structure/function. Considering available information, the clinical significance of this variant cannot be determined with certainty. References: Neveling K et al. Next-generation genetic testing for retinitis pigmentosa. Hum Mutat. 2012 Jun;33(6):963-72. Ziviello C et al. Molecular genetics of autosomal dominant retinitis pigmentosa (ADRP): a comprehensive study of 43 Italian families. J Med Genet. 2005 Jul;42(7):e47.

Illumina Laboratory Services, Illumina
Classification: Benign for Retinitis pigmentosa. Last evaluated: 2017-04-27. Review status: criteria provided, single submitter. Criteria: ICSL Variant Classification Criteria 13 December 2019. Collection method: clinical testing. Allele origin: germline.
Comment: This variant was observed as part of a predisposition screen in an ostensibly healthy population. A literature search was performed for the gene, cDNA change, and amino acid change (where applicable). Publications were found based on this search. The evidence from the literature, in combination with allele frequency data from public databases where available, was sufficient to rule this variant out of causing disease. Therefore, this variant is classified as benign.

Literature cited by the submitters: PubMed 15994872 (cited by Labcorp Genetics (formerly Invitae), Labcorp and Illumina Laboratory Services, Illumina).